The following is an entry in ClinVar:

NM_020975.6(RET):c.1354C>A (p.Leu452Ile)

Gene: RET (ret proto-oncogene; plus strand). Cytogenetic location: 10q11.21.
Variant type: single nucleotide variant.
Coding change: c.1354C>A on transcript NM_020975.6 (MANE Select); coding-DNA position 1354, C replaced by A.
Protein change: p.Leu452Ile; replaces leucine 452 with isoleucine.
Molecular consequence: missense variant.
Genome position (GRCh38, 1-based): chr10:43,111,297, C>A. VCF-style: chr10-43111297-C-A. GRCh37 (hg19) VCF-style: chr10-43606745-C-A.
Other names: c.1354C>A, p.Leu452Ile (NM_000323.2, NM_001406743.1, NM_001406744.1 and 6 more transcripts); c.592C>A, p.Leu198Ile (NM_001355216.2); c.1225C>A, p.Leu409Ile (NM_001406761.1, NM_001406762.1, NM_001406764.1 and 1 more transcripts); c.1066C>A, p.Leu356Ile (NM_001406766.1, NM_001406767.1, NM_001406770.1); c.628C>A, p.Leu210Ile (NM_001406778.1, NM_001406775.1, NM_001406776.1 and 1 more transcripts); c.364C>A, p.Leu122Ile (NM_001406784.1); c.958C>A, p.Leu320Ile (NM_001406769.1, NM_001406772.1); c.916C>A, p.Leu306Ile (NM_001406771.1, NM_001406773.1); and 1 more; short protein forms L452I, L198I, L122I, L277I, L306I, L356I, L409I, L210I.
Identifiers: ClinVar variation 413461 (VCV000413461.26), dbSNP rs151148041, ClinGen allele CA033242.

ClinVar aggregate classification (germline): Conflicting classifications of pathogenicity. Review status: criteria provided, conflicting classifications (1 of 4 stars). 10 submissions from 10 submitters: Uncertain significance (1); Benign (1); Likely benign (7). 1 of the submissions does not count toward it. Last evaluated 2026-07-01.

Conditions:
Familial hyperparathyroidism or Hypocalciuric hypercalcaemia.
Multiple endocrine neoplasia, type 2 (MEN2). Identifiers: Orphanet 653, MedGen C4048306, MONDO:0019003. Disease mechanism: gain of function.
Hereditary cancer-predisposing syndrome. Also called: Hereditary neoplastic syndrome; Neoplastic Syndromes, Hereditary; Hereditary Cancer Syndrome; Tumor predisposition. Identifiers: Orphanet 140162, MedGen C0027672, MeSH D009386, MONDO:0015356.
Multiple endocrine neoplasia type 2A. Also called: Multiple Endocrine Neoplasia Type 2A (MEN2A); MULTIPLE ENDOCRINE NEOPLASIA, TYPE IIA; PTC SYNDROME; SIPPLE SYNDROME; MEN 2A; MEN-2A syndrome. Identifiers: Orphanet 247698, Orphanet 653, MedGen C0025268, MeSH D018813, MONDO:0008234, OMIM 171400.

Allele frequency attached by ClinVar (database versions not stated): gnomAD exomes 0.00007 and 0.00014; ExAC 0.00018; ESP Exome Variant Server 0.00038; gnomAD 0.00043 and 0.00046; TOPMed 0.00057; 1000 Genomes Project 30x 0.00141; 1000 Genomes Project 0.00160.
gnomAD v4.1: 164 of 1,614,162 alleles (0.01%); highest among the groups gnomAD compares: African/African-American, 0.21%; 1 homozygote.

Submissions (10):

CeGaT Center for Human Genetics Tuebingen
Classification: Likely benign. Last evaluated: 2026-07-01. Review status: criteria provided, single submitter. Criteria: CeGaT Center For Human Genetics Tuebingen Variant Classification Criteria Version 2. Collection method: clinical testing. Allele origin: germline. Affected: yes. Observed: 1 variant allele.
Comment: RET: PM5, BP4, BS1

Labcorp Genetics (formerly Invitae), Labcorp
Classification: Likely benign for Multiple endocrine neoplasia, type 2. Last evaluated: 2026-02-02. Review status: criteria provided, single submitter. Criteria: Invitae Variant Classification Sherloc (09022015). Collection method: clinical testing. Allele origin: germline.

Cambridge Genomics Laboratory, East Genomic Laboratory Hub, NHS Genomic Medicine Service
Classification: Likely benign for Familial hyperparathyroidism or Hypocalciuric hypercalcaemia. Last evaluated: 2025-04-02. Review status: criteria provided, single submitter. Criteria: ACGS Best Practice Guidelines for Variant Classification in Rare Disease 2020. Collection method: clinical testing. Allele origin: germline. Affected: yes.
Comment: BS1_Strong,BP4

Blueprint Genetics
Classification: Likely benign. Last evaluated: 2024-03-26. Review status: criteria provided, single submitter. Criteria: ACMG Guidelines, 2015. Collection method: clinical testing. Allele origin: germline.

Color Diagnostics, LLC DBA Color Health
Classification: Likely benign for Multiple endocrine neoplasia, type 2. Last evaluated: 2022-10-18. Review status: criteria provided, single submitter. Criteria: ACMG Guidelines, 2015. Collection method: clinical testing. Allele origin: germline.

Sema4
Classification: Likely benign for Hereditary cancer-predisposing syndrome. Last evaluated: 2022-02-04. Review status: criteria provided, single submitter. Criteria: Sema4 Curation Guidelines. Collection method: curation. Allele origin: germline.

GeneDx
Classification: Likely benign. Last evaluated: 2018-05-09. Review status: criteria provided, single submitter. Criteria: GeneDx Variant Classification (06012015). Collection method: clinical testing. Allele origin: germline. Affected: yes.
Comment: This variant is considered likely benign or benign based on one or more of the following criteria: it is a conservative change, it occurs at a poorly conserved position in the protein, it is predicted to be benign by multiple in silico algorithms, and/or has population frequency not consistent with disease.

Eurofins Ntd Llc (ga)
Classification: Uncertain significance. Last evaluated: 2017-12-19. Review status: criteria provided, single submitter. Criteria: EGL Classification Definitions 2015. Collection method: clinical testing. Allele origin: germline. Observed: 1 variant allele, 1 heterozygote.

Ambry Genetics
Classification: Benign for Hereditary cancer-predisposing syndrome. Last evaluated: 2017-12-05. Review status: criteria provided, single submitter. Criteria: Ambry Variant Classification Scheme 2023. Collection method: clinical testing. Allele origin: germline.

Counsyl
Classification: Uncertain significance for Multiple endocrine neoplasia type 2A. Last evaluated: 2018-01-22. Review status: no assertion criteria provided. Collection method: clinical testing. Allele origin: unknown. Not counted in ClinVar's aggregate classification.

Literature cited by the submitters: PubMed 22648184 (cited by 3 submitters).